The following is an entry in ClinVar:

ClinVar aggregate classification (germline): Uncertain significance (0 of 4 stars; one submission).

Conditions:
GAS2L2-related disorder. Also called: GAS2L2-related condition.

Allele frequency attached by ClinVar (database versions not stated): gnomAD exomes below 0.00001.

Submission:

PreventionGenetics, part of Exact Sciences
Classification: Uncertain significance for GAS2L2-related condition. Last evaluated: 2024-02-26. Review status: no assertion criteria provided. Collection method: clinical testing. Allele origin: germline.
Comment: The GAS2L2 c.1354_1368del15 variant is predicted to result in an in-frame deletion (p.Ala452_Ser456del). To our knowledge, this variant has not been reported in the literature or in a large population database, indicating this variant is rare. At this time, the clinical significance of this variant is uncertain due to the absence of conclusive functional and genetic evidence.

NM_139285.4(GAS2L2):c.1354_1368del (p.Ala452_Ser456del)

Gene: GAS2L2 (growth arrest specific 2 like 2; minus strand). Cytogenetic location: 17q12.
Variant type: Deletion.
Coding change: c.1354_1368del on transcript NM_139285.4 (MANE Select); coding-DNA positions 1354 to 1368, 15 bases deleted (GCAAGAGGACCATCT).
Protein change: p.Ala452_Ser456del.
Genome position (GRCh38, 1-based): chr17:35,746,129-35,746,143, AGATGGTCCTCTTGC deleted on the plus strand (GCAAGAGGACCATCT on the coding strand, the reverse complement: GAS2L2 is on the minus strand). VCF-style (leftmost placement, unchanged base first): chr17-35746128-GAGATGGTCCTCTTGC-G. GRCh37 (hg19) VCF-style: chr17-34073147-GAGATGGTCCTCTTGC-G.
Identifiers: ClinVar variation 3048443 (VCV003048443.2), dbSNP rs2509916634, ClinGen allele CA2593170481.
Genomic context (GRCh38, chr17:35,746,128, plus strand): 5'-CATCCCGGAGTGGCAGCCTGAGGCCCAGGCACTCGGCTGGGCCAAAGGAACGAGGCAGGG[GAGATGGTCCTCTTGC>G]TGATATCCCTTTGGTGGTGGCCTCAATGGCTCGGAGTCTTTGTGGGGTGGGGTTCCCGGC-3'